The following is an entry in ClinVar:

NM_014844.5(TECPR2):c.3476G>T (p.Arg1159Leu)

Gene: TECPR2 (tectonin beta-propeller repeat containing 2; plus strand). Cytogenetic location: 14q32.31.
Variant type: single nucleotide variant.
Coding change: c.3476G>T on transcript NM_014844.5 (MANE Select); coding-DNA position 3476, G replaced by T.
Protein change: p.Arg1159Leu; replaces arginine 1159 with leucine.
Molecular consequence: missense variant.
Genome position (GRCh38, 1-based): chr14:102,452,463, G>T. VCF-style: chr14-102452463-G-T. GRCh37 (hg19) VCF-style: chr14-102918800-G-T.
Other names: c.3476G>T, p.Arg1159Leu (NM_001172631.3); short protein forms R1159L.
Identifiers: ClinVar variation 2573923 (VCV002573923.1), dbSNP rs753373019, ClinGen allele CA7358257.

ClinVar aggregate classification (germline): Uncertain significance (1 of 4 stars; one submission).

Allele frequency attached by ClinVar (database versions not stated): TOPMed 0.00002; ExAC 0.00003.
gnomAD v4.1: 10 of 1,613,684 alleles (0.00062%); highest among the groups gnomAD compares: Admixed American, 0.017%; no homozygotes.

Submission:

GeneDx
Classification: Uncertain significance. Last evaluated: 2023-01-24. Review status: criteria provided, single submitter. Criteria: GeneDx Variant Classification Process June 2021. Collection method: clinical testing. Allele origin: germline. Affected: yes.
Comment: In silico analysis supports that this missense variant has a deleterious effect on protein structure/function; Has not been previously published as pathogenic or benign to our knowledge